The following is an entry in ClinVar:

ClinVar aggregate classification (germline): Uncertain significance. Review status: criteria provided, multiple submitters, no conflicts (2 of 4 stars). 2 submissions from 2 submitters: Uncertain significance (2). Last evaluated 2023-02-23.

Conditions:
Hereditary pheochromocytoma and paraganglioma. Also called: Hereditary pheochromocytoma-paraganglioma; Hereditary paragangliomas and pheochromocytomas; Hereditary Paraganglioma-Pheochromocytoma Syndromes. Identifiers: Orphanet 29072, MedGen C4274332, MONDO:0017366.
Hereditary cancer-predisposing syndrome. Also called: Neoplastic Syndromes, Hereditary; Tumor predisposition; Hereditary Cancer Syndrome; Hereditary neoplastic syndrome. Identifiers: Orphanet 140162, MedGen C0027672, MeSH D009386, MONDO:0015356.

Submissions (2):

Labcorp Genetics (formerly Invitae), Labcorp
Classification: Uncertain significance for Hereditary pheochromocytoma and paraganglioma. Last evaluated: 2023-02-23. Review status: criteria provided, single submitter. Criteria: Invitae Variant Classification Sherloc (09022015). Collection method: clinical testing. Allele origin: germline.
Comment: This sequence change replaces serine, which is neutral and polar, with proline, which is neutral and non-polar, at codon 144 of the MAX protein (p.Ser144Pro). This variant is not present in population databases (gnomAD no frequency). This variant has not been reported in the literature in individuals affected with MAX-related conditions. ClinVar contains an entry for this variant (Variation ID: 1739631). An algorithm developed to predict the effect of missense changes on protein structure and function (PolyPhen-2) suggests that this variant is likely to be disruptive. In summary, the available evidence is currently insufficient to determine the role of this variant in disease. Therefore, it has been classified as a Variant of Uncertain Significance.

Ambry Genetics
Classification: Uncertain significance for Hereditary cancer-predisposing syndrome. Last evaluated: 2022-02-18. Review status: criteria provided, single submitter. Criteria: Ambry Variant Classification Scheme 2023. Collection method: clinical testing. Allele origin: germline.
Comment: The p.S144P variant (also known as c.430T>C), located in coding exon 5 of the MAX gene, results from a T to C substitution at nucleotide position 430. The serine at codon 144 is replaced by proline, an amino acid with similar properties. This amino acid position is conserved. In addition, this alteration is predicted to be deleterious by in silico analysis. Since supporting evidence is limited at this time, the clinical significance of this alteration remains unclear.

NM_002382.5(MAX):c.430T>C (p.Ser144Pro)

Gene: MAX (MYC associated transcriptional regulator X; minus strand). Cytogenetic location: 14q23.3.
Variant type: single nucleotide variant.
Coding change: c.430T>C on transcript NM_002382.5 (MANE Select); coding-DNA position 430, T replaced by C.
Protein change: p.Ser144Pro; replaces serine 144 with proline.
Molecular consequence: missense variant. On other transcripts: 3 prime UTR variant (1), intron variant (2).
Genome position (GRCh38, 1-based): chr14:65,076,529, A>G on the plus strand (T>C on the coding strand, the complement: MAX is on the minus strand). VCF-style: chr14-65076529-A-G. GRCh37 (hg19) VCF-style: chr14-65543247-A-G.
Other names: c.241T>C, p.Ser81Pro (NM_001320415.2, NM_001407105.1, NM_001407106.1 and 1 more transcripts); c.430T>C, p.Ser144Pro (NM_001407094.1); c.403T>C, p.Ser135Pro (NM_001407095.1, NM_145112.3); c.*203T>C (NM_001407096.1, NM_001407099.1, NM_001407102.1 and 2 more transcripts); c.*219T>C (NM_001407097.1, NM_001407100.1, NM_001407101.1 and 4 more transcripts); c.322T>C, p.Ser108Pro (NM_001407098.1); c.229T>C, p.Ser77Pro (NM_001407111.1, NM_001407112.1); c.144+17179T>C (NM_001271069.2); and 1 more; short protein forms S135P, S77P, S81P, S108P, S144P.
Identifiers: ClinVar variation 1739631 (VCV001739631.5), dbSNP rs2139739766, ClinGen allele CA390031377.